The following is an entry in ClinVar:

NM_004006.3(DMD):c.8146C>T (p.Gln2716Ter)

Gene: DMD (dystrophin; minus strand). Cytogenetic location: Xp21.1.
Variant type: single nucleotide variant.
Coding change: c.8146C>T on transcript NM_004006.3 (MANE Select); coding-DNA position 8146, C replaced by T.
Protein change: p.Gln2716Ter; replaces glutamine 2716 with a stop codon.
Molecular consequence: nonsense.
Genome position (GRCh38, 1-based): chrX:31,627,744, G>A on the plus strand (C>T on the coding strand, the complement: DMD is on the minus strand). VCF-style: chrX-31627744-G-A. GRCh37 (hg19) VCF-style: chrX-31645861-G-A.
Other names: c.8122C>T, p.Gln2708Ter (NM_000109.4); c.8134C>T, p.Gln2712Ter (NM_004009.3); c.7777C>T, p.Gln2593Ter (NM_004010.3); c.4123C>T, p.Gln1375Ter (NM_004011.4); c.4114C>T, p.Gln1372Ter (NM_004012.4); c.766C>T, p.Gln256Ter (NM_004013.3, NM_004020.4, NM_004021.3 and 2 more transcripts); short protein forms Q256*, Q2708*, Q1375*, Q2712*, Q1372*, Q2593*, Q2716*.
Identifiers: ClinVar variation 803828 (VCV000803828.10), dbSNP rs1603430178, ClinGen allele CA412657204.

ClinVar aggregate classification (germline): Pathogenic. Review status: criteria provided, multiple submitters, no conflicts (2 of 4 stars). 2 submissions from 2 submitters: Pathogenic (2). Last evaluated 2024-11-13.

Conditions:
Duchenne muscular dystrophy (DMD). Also called: Duchenne Muscular Dystrophy (DMD); MUSCULAR DYSTROPHY, PSEUDOHYPERTROPHIC PROGRESSIVE, DUCHENNE TYPE. Identifiers: Orphanet 98896, MedGen C0013264, MONDO:0010679, OMIM 310200.

Submissions (2):

Labcorp Genetics (formerly Invitae), Labcorp
Classification: Pathogenic for Duchenne muscular dystrophy. Last evaluated: 2024-11-13. Review status: criteria provided, single submitter. Criteria: Invitae Variant Classification Sherloc (09022015). Collection method: clinical testing. Allele origin: germline.
Comment: This sequence change creates a premature translational stop signal (p.Gln2716*) in the DMD gene. It is expected to result in an absent or disrupted protein product. Loss-of-function variants in DMD are known to be pathogenic (PMID: 16770791, 25007885). This variant is not present in population databases (gnomAD no frequency). This premature translational stop signal has been observed in individual(s) with Duchenne muscular dystrophy (PMID: 19937601). ClinVar contains an entry for this variant (Variation ID: 803828). For these reasons, this variant has been classified as Pathogenic.

Mendelics
Classification: Pathogenic for Duchenne muscular dystrophy. Last evaluated: 2019-05-28. Review status: criteria provided, single submitter. Criteria: Mendelics Assertion Criteria 2017. Collection method: clinical testing. Allele origin: unknown.

Literature cited by the submitters: PubMed 16770791 (cited by Labcorp Genetics (formerly Invitae), Labcorp); PubMed 25007885 (cited by Labcorp Genetics (formerly Invitae), Labcorp); PubMed 19937601 (cited by Labcorp Genetics (formerly Invitae), Labcorp).